The following is an entry in ClinVar:

NM_001130987.2(DYSF):c.4252C>G (p.Pro1418Ala)

Gene: DYSF (dysferlin; plus strand). Cytogenetic location: 2p13.2.
Variant type: single nucleotide variant.
Coding change: c.4252C>G on transcript NM_001130987.2 (MANE Select); coding-DNA position 4252, C replaced by G.
Protein change: p.Pro1418Ala; replaces proline 1418 with alanine.
Molecular consequence: missense variant.
Genome position (GRCh38, 1-based): chr2:71,612,671, C>G. VCF-style: chr2-71612671-C-G. GRCh37 (hg19) VCF-style: chr2-71839801-C-G.
Other names: c.4201C>G, p.Pro1401Ala (NM_001130455.2, NM_001130983.2); c.4156C>G, p.Pro1386Ala (NM_001130976.2, NM_001130977.2); c.4198C>G, p.Pro1400Ala (NM_001130978.2, NM_003494.4); c.4291C>G, p.Pro1431Ala (NM_001130979.2); c.4249C>G, p.Pro1417Ala (NM_001130980.2, NM_001130981.2); c.4294C>G, p.Pro1432Ala (NM_001130982.2); c.4159C>G, p.Pro1387Ala (NM_001130984.2, NM_001130986.2); c.4252C>G, p.Pro1418Ala (NM_001130985.2); short protein forms P1400A, P1418A, P1386A, P1387A, P1401A, P1432A, P1417A, P1431A.
Identifiers: ClinVar variation 336971 (VCV000336971.33), dbSNP rs151268930, ClinGen allele CA1706942.
Genomic context (GRCh38, chr2:71,612,671, plus strand): 5'-AGGCCAGTGCGTTCTTCCTCCTCCACCCAGATGCTGCCCAGGGAGGAGCTCTACTGCCCC[C>G]CCATCACCGTCAAGGTCATCGATAACCGCCAGTTTGGCCGCCGGCCTGTGGTGGGCCAGT-3'
Protein context (NP_001124459.1, residues 1408-1428): MLPREELYCP[Pro1418Ala]ITVKVIDNRQ

ClinVar aggregate classification (germline): Conflicting classifications of pathogenicity. Review status: criteria provided, conflicting classifications (1 of 4 stars). 11 submissions from 11 submitters: Uncertain significance (8); Likely benign (1). 2 of the submissions do not count toward it. Last evaluated 2025-12-23.

Conditions:
Neuromuscular disease caused by qualitative or quantitative defects of dysferlin. Also called: Dysferlinopathy; Qualitative or quantitative defects of dysferlin. Identifiers: Orphanet 207073, MedGen C2931687, MONDO:0016145.
DYSF-related disorder. Also called: DYSF-related condition; DYSF-related disorders.
Miyoshi muscular dystrophy 1 (MMD1). Identifiers: Orphanet 45448, MedGen C4551973, MONDO:0024545, OMIM 254130.
Autosomal recessive limb-girdle muscular dystrophy type 2B (LGMDR2). Also called: MUSCULAR DYSTROPHY, LIMB-GIRDLE, TYPE 3; MUSCULAR DYSTROPHY, LIMB-GIRDLE, AUTOSOMAL RECESSIVE 2; Limb-girdle muscular dystrophy, type 2B; Limb-Girdle Muscular Dystrophy Type 2B (LGMD2B). Identifiers: Orphanet 268, MedGen C1850889, MONDO:0009676, OMIM 253601.
Distal myopathy with anterior tibial onset. Identifiers: Orphanet 178400, MedGen C1847532, MONDO:0011721, OMIM 606768.

Allele frequency attached by ClinVar (database versions not stated): TOPMed 0.00006; gnomAD 0.00008 and 0.00009; ESP Exome Variant Server 0.00015.
gnomAD v4.1: 99 of 1,614,052 alleles (0.0061%); highest among the groups gnomAD compares: Admixed American, 0.0033%; no homozygotes.

Submissions (11):

Labcorp Genetics (formerly Invitae), Labcorp
Classification: Likely benign for Neuromuscular disease caused by qualitative or quantitative defects of dysferlin. Last evaluated: 2025-12-23. Review status: criteria provided, single submitter. Criteria: Invitae Variant Classification Sherloc (09022015). Collection method: clinical testing. Allele origin: germline.

Blueprint Genetics
Classification: Uncertain significance. Last evaluated: 2024-06-11. Review status: criteria provided, single submitter. Criteria: ACMG Guidelines, 2015. Collection method: clinical testing. Allele origin: germline.

Fulgent Genetics
Classification: Uncertain significance for Autosomal recessive limb-girdle muscular dystrophy type 2B; Miyoshi muscular dystrophy 1; Distal myopathy with anterior tibial onset. Last evaluated: 2024-02-21. Review status: criteria provided, single submitter. Criteria: ACMG Guidelines, 2015. Collection method: clinical testing. Allele origin: germline.

GeneDx
Classification: Uncertain significance. Last evaluated: 2019-12-18. Review status: criteria provided, single submitter. Criteria: GeneDx Variant Classification Process June 2021. Collection method: clinical testing. Allele origin: germline. Affected: yes.
Comment: In silico analysis, which includes protein predictors and evolutionary conservation, supports a deleterious effect; Has not been previously published as pathogenic or benign to our knowledge

Mayo Clinic Laboratories, Mayo Clinic
Classification: Uncertain significance. Last evaluated: 2019-09-16. Review status: criteria provided, single submitter. Criteria: ACMG Guidelines, 2015. Collection method: clinical testing. Allele origin: germline. Observed: 1 variant allele.

Revvity Omics, Revvity
Classification: Uncertain significance. Last evaluated: 2019-07-25. Review status: criteria provided, single submitter. Criteria: ACMG Guidelines, 2015. Collection method: clinical testing. Allele origin: germline.

Illumina Laboratory Services, Illumina
Classification: Uncertain significance for Qualitative or quantitative defects of dysferlin. Last evaluated: 2018-01-13. Review status: criteria provided, single submitter. Criteria: ICSL Variant Classification Criteria 13 December 2019. Collection method: clinical testing. Allele origin: germline.

Eurofins Ntd Llc (ga)
Classification: Uncertain significance. Last evaluated: 2017-03-23. Review status: criteria provided, single submitter. Criteria: EGL Classification Definitions 2015. Collection method: clinical testing. Allele origin: germline. Observed: 2 variant alleles, 2 heterozygotes.

Athena Diagnostics
Classification: Uncertain significance. Last evaluated: 2017-02-07. Review status: criteria provided, single submitter. Criteria: Athena Diagnostics Criteria. Collection method: clinical testing. Allele origin: germline.

PreventionGenetics, part of Exact Sciences
Classification: Uncertain significance for DYSF-related condition. Last evaluated: 2024-04-26. Review status: no assertion criteria provided. Collection method: clinical testing. Allele origin: germline. Not counted in ClinVar's aggregate classification.
Comment: The DYSF c.4198C>G variant is predicted to result in the amino acid substitution p.Pro1400Ala. To our knowledge, this variant has not been reported in the literature. This variant is reported in 0.21% of alleles in individuals of Ashkenazi Jewish descent in gnomAD, but is reported with an allele frequency of <0.01% in most populations. At this time, the clinical significance of this variant is uncertain due to the absence of conclusive functional and genetic evidence.

Natera, Inc.
Classification: Uncertain significance for Limb-girdle muscular dystrophy type 2B. Last evaluated: 2020-01-24. Review status: no assertion criteria provided. Collection method: clinical testing. Allele origin: germline. Not counted in ClinVar's aggregate classification.